The following is an entry in ClinVar:

NM_030928.4(CDT1):c.853C>T (p.Gln285Ter)

Gene: CDT1 (chromatin licensing and DNA replication factor 1; plus strand). Cytogenetic location: 16q24.3.
Variant type: single nucleotide variant.
Coding change: c.853C>T on transcript NM_030928.4 (MANE Select); coding-DNA position 853, C replaced by T.
Protein change: p.Gln285Ter; replaces glutamine 285 with a stop codon.
Molecular consequence: nonsense.
Genome position (GRCh38, 1-based): chr16:88,806,041, C>T. VCF-style: chr16-88806041-C-T. GRCh37 (hg19) VCF-style: chr16-88872449-C-T.
Other names: short protein forms Q285*.
Identifiers: ClinVar variation 3621587 (VCV003621587.2).

ClinVar aggregate classification (germline): Pathogenic (1 of 4 stars; one submission).

gnomAD v4.1: 3 of 1,593,718 alleles (0.00019%); highest among the groups gnomAD compares: South Asian, 0.0022%; no homozygotes.

Submission:

Labcorp Genetics (formerly Invitae), Labcorp
Classification: Pathogenic. Last evaluated: 2024-07-10. Review status: criteria provided, single submitter. Criteria: Invitae Variant Classification Sherloc (09022015). Collection method: clinical testing. Allele origin: germline.
Comment: This sequence change creates a premature translational stop signal (p.Gln285*) in the CDT1 gene. It is expected to result in an absent or disrupted protein product. Loss-of-function variants in CDT1 are known to be pathogenic (PMID: 21358632, 22333897). This variant is not present in population databases (gnomAD no frequency). This variant has not been reported in the literature in individuals affected with CDT1-related conditions. Algorithms developed to predict the effect of sequence changes on RNA splicing suggest that this variant may create or strengthen a splice site. For these reasons, this variant has been classified as Pathogenic.

Literature cited by the submitters: PubMed 21358632; PubMed 22333897.